The following is an entry in ClinVar:

NM_017617.5(NOTCH1):c.164C>G (p.Pro55Arg)

Gene: NOTCH1 (notch receptor 1; minus strand). Cytogenetic location: 9q34.3.
Variant type: single nucleotide variant.
Coding change: c.164C>G on transcript NM_017617.5 (MANE Select); coding-DNA position 164, C replaced by G.
Protein change: p.Pro55Arg; replaces proline 55 with arginine.
Molecular consequence: missense variant.
Genome position (GRCh38, 1-based): chr9:136,523,956, G>C on the plus strand (C>G on the coding strand, the complement: NOTCH1 is on the minus strand). VCF-style: chr9-136523956-G-C. GRCh37 (hg19) VCF-style: chr9-139418408-G-C.
Other names: short protein forms P55R.
Identifiers: ClinVar variation 1777223 (VCV001777223.2), dbSNP rs1286892980, ClinGen allele CA375573185.

ClinVar aggregate classification (germline): Uncertain significance (1 of 4 stars; one submission).

Conditions:
Familial thoracic aortic aneurysm and aortic dissection (TAAD). Also called: Thoracic aortic aneurysms and dissections. Identifiers: Orphanet 91387, MedGen C4707243, MONDO:0019625.

Submission:

Ambry Genetics
Classification: Uncertain significance for Familial thoracic aortic aneurysm and aortic dissection. Last evaluated: 2021-11-19. Review status: criteria provided, single submitter. Criteria: Ambry Variant Classification Scheme 2023. Collection method: clinical testing. Allele origin: germline.
Comment: The p.P55R variant (also known as c.164C>G), located in coding exon 3 of the NOTCH1 gene, results from a C to G substitution at nucleotide position 164. The proline at codon 55 is replaced by arginine, an amino acid with dissimilar properties. This amino acid position is conserved. In addition, this alteration is predicted to be tolerated by in silico analysis. Since supporting evidence is limited at this time, the clinical significance of this alteration remains unclear.